The following is an entry in ClinVar:

ClinVar aggregate classification (germline): Uncertain significance. Review status: criteria provided, multiple submitters, no conflicts (2 of 4 stars). 4 submissions from 4 submitters: Uncertain significance (4). Last evaluated 2025-06-29.

Conditions:
Microcephaly 5, primary, autosomal recessive (MCPH5). Also called: ASPM Primary Microcephaly. Identifiers: Orphanet 2512, MedGen C1837501, MONDO:0012106, OMIM 608716.
Inborn genetic diseases. Identifiers: MedGen C0950123, MeSH D030342.

Allele frequency attached by ClinVar (database versions not stated): gnomAD exomes 0.00003; ExAC 0.00004; gnomAD 0.00006 and 0.00007; TOPMed 0.00007; ESP Exome Variant Server 0.00008; 1000 Genomes Project 30x 0.00016; 1000 Genomes Project 0.00020.
gnomAD v4.1: 272 of 1,613,492 alleles (0.017%); highest among the groups gnomAD compares: Non-Finnish European, 0.022%; no homozygotes.

Submissions (4):

Ambry Genetics
Classification: Uncertain significance for Inborn genetic diseases. Last evaluated: 2025-06-29. Review status: criteria provided, single submitter. Criteria: Ambry Variant Classification Scheme 2023. Collection method: clinical testing. Allele origin: germline.

Blueprint Genetics
Classification: Uncertain significance. Last evaluated: 2024-03-07. Review status: criteria provided, single submitter. Criteria: ACMG Guidelines, 2015. Collection method: clinical testing. Allele origin: germline.

Genome-Nilou Lab
Classification: Uncertain significance for Microcephaly 5, primary, autosomal recessive. Last evaluated: 2023-04-11. Review status: criteria provided, single submitter. Criteria: ACMG Guidelines, 2015. Collection method: clinical testing. Allele origin: germline. Affected: no.

Labcorp Genetics (formerly Invitae), Labcorp
Classification: Uncertain significance. Last evaluated: 2022-07-14. Review status: criteria provided, single submitter. Criteria: Invitae Variant Classification Sherloc (09022015). Collection method: clinical testing. Allele origin: germline.
Comment: This sequence change replaces aspartic acid, which is acidic and polar, with tyrosine, which is neutral and polar, at codon 477 of the ASPM protein (p.Asp477Tyr). This variant is present in population databases (rs149162314, gnomAD 0.008%). This variant has not been reported in the literature in individuals affected with ASPM-related conditions. ClinVar contains an entry for this variant (Variation ID: 1522555). Algorithms developed to predict the effect of missense changes on protein structure and function are either unavailable or do not agree on the potential impact of this missense change (SIFT: "Deleterious"; PolyPhen-2: "Benign"; Align-GVGD: "Class C0"). In summary, the available evidence is currently insufficient to determine the role of this variant in disease. Therefore, it has been classified as a Variant of Uncertain Significance.

NM_018136.5(ASPM):c.1429G>T (p.Asp477Tyr)

Gene: ASPM (assembly factor for spindle microtubules; minus strand). Cytogenetic location: 1q31.3.
Variant type: single nucleotide variant.
Coding change: c.1429G>T on transcript NM_018136.5 (MANE Select); coding-DNA position 1429, G replaced by T.
Protein change: p.Asp477Tyr; replaces aspartic acid 477 with tyrosine.
Molecular consequence: missense variant.
Genome position (GRCh38, 1-based): chr1:197,142,823, C>A on the plus strand (G>T on the coding strand, the complement: ASPM is on the minus strand). VCF-style: chr1-197142823-C-A. GRCh37 (hg19) VCF-style: chr1-197111953-C-A.
Other names: c.1429G>T (NM_018136.4); c.1429G>T, p.Asp477Tyr (NM_001206846.2); short protein forms D477Y.
Identifiers: ClinVar variation 1522555 (VCV001522555.9), dbSNP rs149162314, ClinGen allele CA1310711.